The following is an entry in ClinVar:

NM_005618.4(DLL1):c.889C>T (p.Pro297Ser)

Gene: DLL1 (delta like canonical Notch ligand 1; minus strand). Cytogenetic location: 6q27.
Variant type: single nucleotide variant.
Coding change: c.889C>T on transcript NM_005618.4 (MANE Select); coding-DNA position 889, C replaced by T.
Protein change: p.Pro297Ser; replaces proline 297 with serine.
Molecular consequence: missense variant.
Genome position (GRCh38, 1-based): chr6:170,285,397, G>A on the plus strand (C>T on the coding strand, the complement: DLL1 is on the minus strand). VCF-style: chr6-170285397-G-A. GRCh37 (hg19) VCF-style: chr6-170594485-G-A.
Other names: short protein forms P297S.
Identifiers: ClinVar variation 3253227 (VCV003253227.1), dbSNP rs1437306524.

ClinVar aggregate classification (germline): Uncertain significance (1 of 4 stars; one submission).

Allele frequency attached by ClinVar (database versions not stated): TOPMed below 0.00001.

Submission:

GeneDx
Classification: Uncertain significance. Last evaluated: 2023-06-09. Review status: criteria provided, single submitter. Criteria: GeneDx Variant Classification Process June 2021. Collection method: clinical testing. Allele origin: germline. Affected: yes.
Comment: Not observed at significant frequency in large population cohorts (gnomAD); In silico analysis supports that this missense variant has a deleterious effect on protein structure/function; Has not been previously published as pathogenic or benign to our knowledge